The following is an entry in ClinVar:

NM_005732.4(RAD50):c.262G>A (p.Asp88Asn)

Gene: RAD50 (RAD50 double strand break repair protein; plus strand). Cytogenetic location: 5q31.1.
Variant type: single nucleotide variant.
Coding change: c.262G>A on transcript NM_005732.4 (MANE Select); coding-DNA position 262, G replaced by A.
Protein change: p.Asp88Asn; replaces aspartic acid 88 with asparagine.
Molecular consequence: missense variant.
Genome position (GRCh38, 1-based): chr5:132,575,825, G>A. VCF-style: chr5-132575825-G-A. GRCh37 (hg19) VCF-style: chr5-131911517-G-A.
Other names: short protein forms D88N.
Identifiers: ClinVar variation 2977646 (VCV002977646.3), dbSNP rs2479608093, ClinGen allele CA360930634.

ClinVar aggregate classification (germline): Uncertain significance (1 of 4 stars; one submission).

Conditions:
Hereditary cancer-predisposing syndrome. Also called: Neoplastic Syndromes, Hereditary; Hereditary neoplastic syndrome; Hereditary Cancer Syndrome; Tumor predisposition. Identifiers: Orphanet 140162, MedGen C0027672, MeSH D009386, MONDO:0015356.

Submission:

Labcorp Genetics (formerly Invitae), Labcorp
Classification: Uncertain significance for Hereditary cancer-predisposing syndrome. Last evaluated: 2023-04-04. Review status: criteria provided, single submitter. Criteria: Invitae Variant Classification Sherloc (09022015). Collection method: clinical testing. Allele origin: germline.
Comment: In summary, the available evidence is currently insufficient to determine the role of this variant in disease. Therefore, it has been classified as a Variant of Uncertain Significance. Advanced modeling of protein sequence and biophysical properties (such as structural, functional, and spatial information, amino acid conservation, physicochemical variation, residue mobility, and thermodynamic stability) performed at Invitae indicates that this missense variant is not expected to disrupt RAD50 protein function. This variant has not been reported in the literature in individuals affected with RAD50-related conditions. This variant is not present in population databases (gnomAD no frequency). This sequence change replaces aspartic acid, which is acidic and polar, with asparagine, which is neutral and polar, at codon 88 of the RAD50 protein (p.Asp88Asn).